The following is an entry in ClinVar:

NM_020919.4(ALS2):c.2779C>A (p.His927Asn)

Gene: ALS2 (alsin Rho guanine nucleotide exchange factor ALS2; minus strand). Cytogenetic location: 2q33.1.
Variant type: single nucleotide variant.
Coding change: c.2779C>A on transcript NM_020919.4 (MANE Select); coding-DNA position 2779, C replaced by A.
Protein change: p.His927Asn; replaces histidine 927 with asparagine.
Molecular consequence: missense variant.
Genome position (GRCh38, 1-based): chr2:201,728,574, G>T on the plus strand (C>A on the coding strand, the complement: ALS2 is on the minus strand). VCF-style: chr2-201728574-G-T. GRCh37 (hg19) VCF-style: chr2-202593297-G-T.
Other names: short protein forms H927N.
Identifiers: ClinVar variation 1391255 (VCV001391255.6), dbSNP rs775164520, ClinGen allele CA2058080.

ClinVar aggregate classification (germline): Uncertain significance (1 of 4 stars; one submission).

Conditions:
Infantile-onset ascending hereditary spastic paralysis (IAHSP). Also called: Infantile-Onset Ascending Hereditary Spastic Paralysis (IAHSP); Autosomal Recessive Juvenile Amyotrophic Lateral Sclerosis. Identifiers: Orphanet 293168, MedGen C2931441, MONDO:0011797, OMIM 607225. Disease mechanism: loss of function.

Allele frequency attached by ClinVar (database versions not stated): TOPMed below 0.00001; ExAC 0.00001; gnomAD 0.00001; gnomAD exomes 0.00001.
gnomAD v4.1: 12 of 1,613,980 alleles (0.00074%); highest among the groups gnomAD compares: Non-Finnish European, 0.001%; no homozygotes.

Submission:

Labcorp Genetics (formerly Invitae), Labcorp
Classification: Uncertain significance for Infantile-onset ascending hereditary spastic paralysis. Last evaluated: 2021-08-02. Review status: criteria provided, single submitter. Criteria: Invitae Variant Classification Sherloc (09022015). Collection method: clinical testing. Allele origin: germline.
Comment: This variant has not been reported in the literature in individuals affected with ALS2-related conditions. Algorithms developed to predict the effect of missense changes on protein structure and function (SIFT, PolyPhen-2, Align-GVGD) all suggest that this variant is likely to be tolerated. In summary, the available evidence is currently insufficient to determine the role of this variant in disease. Therefore, it has been classified as a Variant of Uncertain Significance. This variant is present in population databases (rs775164520, ExAC 0.002%). This sequence change replaces histidine with asparagine at codon 927 of the ALS2 protein (p.His927Asn). The histidine residue is moderately conserved and there is a small physicochemical difference between histidine and asparagine.